The following is an entry in ClinVar:

ClinVar aggregate classification (germline): Uncertain significance (1 of 4 stars; one submission).

Submission:

Labcorp Genetics (formerly Invitae), Labcorp
Classification: Uncertain significance. Last evaluated: 2025-08-29. Review status: criteria provided, single submitter. Criteria: Invitae Variant Classification Sherloc (09022015). Collection method: clinical testing. Allele origin: germline.
Comment: This sequence change replaces isoleucine, which is neutral and non-polar, with asparagine, which is neutral and polar, at codon 96 of the SOX11 protein (p.Ile96Asn). This variant is not present in population databases (gnomAD no frequency). This variant has not been reported in the literature in individuals affected with SOX11-related conditions. Invitae Evidence Modeling of protein sequence and biophysical properties (such as structural, functional, and spatial information, amino acid conservation, physicochemical variation, residue mobility, and thermodynamic stability) has been performed for this missense variant. However, the output from this modeling did not meet the statistical confidence thresholds required to predict the impact of this variant on SOX11 protein function. In summary, the available evidence is currently insufficient to determine the role of this variant in disease. Therefore, it has been classified as a Variant of Uncertain Significance.

NM_003108.4(SOX11):c.287T>A (p.Ile96Asn)

Gene: SOX11 (SRY-box transcription factor 11; plus strand). Cytogenetic location: 2p25.2.
Variant type: single nucleotide variant.
Coding change: c.287T>A on transcript NM_003108.4 (MANE Select); coding-DNA position 287, T replaced by A.
Protein change: p.Ile96Asn; replaces isoleucine 96 with asparagine.
Molecular consequence: missense variant.
Genome position (GRCh38, 1-based): chr2:5,693,008, T>A. VCF-style: chr2-5693008-T-A. GRCh37 (hg19) VCF-style: chr2-5833140-T-A.
Other names: short protein forms I96N.
Identifiers: ClinVar variation 4746890 (VCV004746890.1).
Genomic context (GRCh38, chr2:5,693,008, plus strand): 5'-ACGCCGAGATCTCCAAGAGGCTGGGCAAGCGCTGGAAAATGCTGAAGGACAGCGAGAAGA[T>A]CCCGTTCATCCGGGAGGCGGAGCGGCTGCGGCTCAAGCACATGGCCGACTACCCCGACTA-3'
Protein context (NP_003099.1, residues 86-106): RWKMLKDSEK[Ile96Asn]PFIREAERLR